The following is an entry in ClinVar:

NM_001378454.1(ALMS1):c.6623A>G (p.Asn2208Ser)

Gene: ALMS1 (ALMS1 centrosome and basal body associated protein; plus strand). Cytogenetic location: 2p13.1.
Variant type: single nucleotide variant.
Coding change: c.6623A>G on transcript NM_001378454.1 (MANE Select); coding-DNA position 6623, A replaced by G.
Protein change: p.Asn2208Ser; replaces asparagine 2208 with serine.
Molecular consequence: missense variant.
Genome position (GRCh38, 1-based): chr2:73,453,150, A>G. VCF-style: chr2-73453150-A-G. GRCh37 (hg19) VCF-style: chr2-73680277-A-G.
Other names: c.6626A>G, p.Asn2209Ser (NM_015120.4); short protein forms N2208S, N2209S.
Identifiers: ClinVar variation 3857197 (VCV003857197.1).
Genomic context (GRCh38, chr2:73,453,150, plus strand): 5'-CTTACTCACATGGTGAGAATCACAAGCTTGTTTCAGAACATGTCCAAAGGCTAATAGATA[A>G]TTTGAATTCTTCTGACTCCAGTGTTAGCTCAAATAATGTGCTTTTAAATTCTCAGGCTGA-3'
Protein context (NP_001365383.1, residues 2198-2218): VSEHVQRLID[Asn2208Ser]LNSSDSSVSS

ClinVar aggregate classification (germline): Uncertain significance (1 of 4 stars; one submission).

Conditions:
Cardiovascular phenotype. Identifiers: MedGen CN230736.

gnomAD v4.1: 1 of 1,614,074 alleles (0.000062%); highest among the groups gnomAD compares: Non-Finnish European, 0.000085%; no homozygotes.

Submission:

Ambry Genetics
Classification: Uncertain significance for Cardiovascular phenotype. Last evaluated: 2024-12-14. Review status: criteria provided, single submitter. Criteria: Ambry Variant Classification Scheme 2023. Collection method: clinical testing. Allele origin: germline.
Comment: The p.N2209S variant (also known as c.6626A>G), located in coding exon 8 of the ALMS1 gene, results from an A to G substitution at nucleotide position 6626. The asparagine at codon 2209 is replaced by serine, an amino acid with highly similar properties. This amino acid position is not well conserved in available vertebrate species. In addition, this alteration is predicted to be tolerated by in silico analysis. Based on the available evidence, the clinical significance of this variant remains unclear.